The following is an entry in ClinVar:

ClinVar aggregate classification (germline): Benign (3 of 4 stars; one submission).

Conditions:
Breast-ovarian cancer, familial, susceptibility to, 1 (BROVCA1). Also called: BRCA1 Hereditary Breast and Ovarian Cancer; OVARIAN CANCER, SUSCEPTIBILITY TO. Identifiers: Orphanet 145, MedGen C2676676, MONDO:0011450, OMIM 604370. Disease mechanism: loss of function.

Allele frequency attached by ClinVar (database versions not stated): TOPMed below 0.00001; gnomAD 0.00001 and 0.00002; 1000 Genomes Project 30x 0.00031; 1000 Genomes Project 0.00040.
gnomAD v4.1: 3 of 150,834 alleles (0.002%); highest among the groups gnomAD compares: East Asian, 0.02%; no homozygotes.

Submission:

Evidence-based Network for the Interpretation of Germline Mutant Alleles (ENIGMA)
Classification: Benign for Breast-ovarian cancer, familial 1. Last evaluated: 2015-01-12. Review status: reviewed by expert panel. Criteria: ENIGMA BRCA1/2 Classification Criteria (2015). Collection method: curation. Allele origin: germline.
Comment: Class 1 not pathogenic based on frequency >1% in an outbred sampleset. Frequency 0.0122 (African), derived from 1000 genomes (2012-04-30).

NM_007294.4(BRCA1):c.5278-2498G>A

Gene: BRCA1 (BRCA1 DNA repair associated; minus strand). Cytogenetic location: 17q21.31.
Variant type: single nucleotide variant.
Coding change: c.5278-2498G>A on transcript NM_007294.4 (MANE Select); 2498 bases into the intron before coding-DNA position 5278, G replaced by A.
Molecular consequence: intron variant.
Genome position (GRCh38, 1-based): chr17:43,053,615, C>T on the plus strand (G>A on the coding strand, the complement: BRCA1 is on the minus strand). VCF-style: chr17-43053615-C-T. GRCh37 (hg19) VCF-style: chr17-41205632-C-T.
Other names: IVS 20-2498G>A; c.1465-2498G>A (NM_001408512.1); c.1588-2498G>A (NM_001408510.1); c.5068-2498G>A (NM_001407885.1, NM_001407886.1, NM_001407881.1 and 5 more transcripts); c.1822-2498G>A (NM_001408470.1, NM_001408469.1, NM_001408468.1); c.5131-2498G>A (NM_001407848.1, NM_001407839.1, NM_001407842.1 and 12 more transcripts); c.5134-2498G>A (NM_001407745.1, NM_001407737.1, NM_001407746.1 and 21 more transcripts); c.5014-2498G>A (NM_001407922.1, NM_001407925.1, NM_001407921.1 and 4 more transcripts); and 75 more.
Identifiers: ClinVar variation 209275 (VCV000209275.2), dbSNP rs182249140, ClinGen allele CA276247.